The following is an entry in ClinVar:

NM_025009.5(CEP135):c.859C>T (p.Leu287=)

Gene: CEP135 (centrosomal protein 135; plus strand). Cytogenetic location: 4q12.
Variant type: single nucleotide variant.
Coding change: c.859C>T on transcript NM_025009.5 (MANE Select); coding-DNA position 859, C replaced by T.
Protein change: p.Leu287=; no amino-acid change (leucine 287 retained).
Molecular consequence: synonymous variant.
Genome position (GRCh38, 1-based): chr4:55,965,674, C>T. VCF-style: chr4-55965674-C-T. GRCh37 (hg19) VCF-style: chr4-56831840-C-T.
Identifiers: ClinVar variation 1695094 (VCV001695094.31), dbSNP rs1728818059, ClinGen allele CA439492517.

ClinVar aggregate classification (germline): Likely benign (1 of 4 stars; one submission).

Allele frequency attached by ClinVar (database versions not stated): gnomAD 0.00001.
gnomAD v4.1: 6 of 1,611,166 alleles (0.00037%); highest among the groups gnomAD compares: African/African-American, 0.0067%; no homozygotes.

Submission:

CeGaT Center for Human Genetics Tuebingen
Classification: Likely benign. Last evaluated: 2022-06-01. Review status: criteria provided, single submitter. Criteria: CeGaT Center For Human Genetics Tuebingen Variant Classification Criteria Version 2. Collection method: clinical testing. Allele origin: germline. Affected: yes. Observed: 1 variant allele.
Comment: CEP135: BP4, BP7